The following is an entry in ClinVar:

ClinVar aggregate classification (germline): Uncertain significance (1 of 4 stars; one submission).

Submission:

Ambry Genetics
Classification: Uncertain significance. Last evaluated: 2021-12-22. Review status: criteria provided, single submitter. Criteria: Ambry Variant Classification Scheme 2023. Collection method: clinical testing. Allele origin: germline.
Comment: The p.K115T variant (also known as c.344A>C), located in coding exon 1 of the EGLN1 gene, results from an A to C substitution at nucleotide position 344. The lysine at codon 115 is replaced by threonine, an amino acid with similar properties. This amino acid position is conserved. In addition, this alteration is predicted to be tolerated by in silico analysis. Since supporting evidence is limited at this time, the clinical significance of this alteration remains unclear.

NM_022051.3(EGLN1):c.344A>C (p.Lys115Thr)

Gene: EGLN1 (egl-9 family hypoxia inducible factor 1; minus strand). Cytogenetic location: 1q42.2.
Variant type: single nucleotide variant.
Coding change: c.344A>C on transcript NM_022051.3 (MANE Select); coding-DNA position 344, A replaced by C.
Protein change: p.Lys115Thr; replaces lysine 115 with threonine.
Molecular consequence: missense variant.
Genome position (GRCh38, 1-based): chr1:231,421,545, T>G on the plus strand (A>C on the coding strand, the complement: EGLN1 is on the minus strand). VCF-style: chr1-231421545-T-G. GRCh37 (hg19) VCF-style: chr1-231557291-T-G.
Other names: c.344A>C, p.Lys115Thr (NM_001377260.1, NM_001377261.1); short protein forms K115T.
Identifiers: ClinVar variation 1731533 (VCV001731533.2), dbSNP rs2527360628, ClinGen allele CA345237564.